The following is an entry in ClinVar:

ClinVar aggregate classification (germline): Pathogenic. Review status: criteria provided, multiple submitters, no conflicts (2 of 4 stars). 2 submissions from 2 submitters: Pathogenic (2). Last evaluated 2026-01-26.

Conditions:
Deficiency of adenosine deaminase 2. Also called: VASCULITIS, AUTOINFLAMMATION, IMMUNODEFICIENCY, AND HEMATOLOGIC DEFECTS SYNDROME; Adenosine Deaminase 2 Deficiency; Polyarteritis nodosa, childhoood-onset. Identifiers: Orphanet 404553, MedGen C3887654, MONDO:0014306, OMIM 615688, MONDO:0100317.

Allele frequency attached by ClinVar (database versions not stated): ExAC 0.00002; gnomAD exomes 0.00001; TOPMed 0.00001; gnomAD 0.00001.

Submissions (2):

GeneDx
Classification: Pathogenic. Last evaluated: 2026-01-26. Review status: criteria provided, single submitter. Criteria: GeneDx Variant Classification Process June 2021. Collection method: clinical testing. Allele origin: germline.
Comment: Initiation codon variant predicted to alter the protein; however, a downstream in-frame Methionine residue could serve as an alternate initiator codon; Published functional studies demonstrate the variant results in decreased enzymatic activity (PMID: 34004258); This variant is associated with the following publications: (PMID: 24552284, 34324127, 34004258, 28974505, 37150360, 27059682)

Labcorp Genetics (formerly Invitae), Labcorp
Classification: Pathogenic for Deficiency of adenosine deaminase 2. Last evaluated: 2023-10-13. Review status: criteria provided, single submitter. Criteria: Invitae Variant Classification Sherloc (09022015). Collection method: clinical testing. Allele origin: germline.
Comment: This sequence change affects the initiator methionine of the ADA2 mRNA. The next in-frame methionine is located at codon 21. This variant is present in population databases (rs745795188, gnomAD 0.002%). Disruption of the initiator codon has been observed in individual(s) with clinical features of deficiency of adenosine deaminase 2 (PMID: 24552284, 27059682). In at least one individual the data is consistent with being in trans (on the opposite chromosome) from a pathogenic variant. ClinVar contains an entry for this variant (Variation ID: 1407177). For these reasons, this variant has been classified as Pathogenic.

Literature cited by the submitters: PubMed 24552284 (cited by Labcorp Genetics (formerly Invitae), Labcorp); PubMed 27059682 (cited by Labcorp Genetics (formerly Invitae), Labcorp).

NM_001282225.2(ADA2):c.2T>C (p.Met1Thr)

Gene: ADA2 (adenosine deaminase 2; minus strand). Cytogenetic location: 22q11.1.
Variant type: single nucleotide variant.
Coding change: c.2T>C on transcript NM_001282225.2 (MANE Select); coding-DNA position 2, T replaced by C.
Protein change: p.Met1Thr; changes the start codon (methionine 1).
Molecular consequence: missense variant, initiator codon variant. On other transcripts: intron variant (3).
Genome position (GRCh38, 1-based): chr22:17,209,676, A>G on the plus strand (T>C on the coding strand, the complement: ADA2 is on the minus strand). VCF-style: chr22-17209676-A-G. GRCh37 (hg19) VCF-style: chr22-17690566-A-G.
Other names: c.2T>C (NM_001282225.1); c.2T>C, p.Met1Thr (NM_001282226.2); c.-47-78T>C (NM_001282227.2, NM_001282228.2); c.-38-2386T>C (NM_001282229.2); short protein forms M1T.
Identifiers: ClinVar variation 1407177 (VCV001407177.9), dbSNP rs745795188, ClinGen allele CA10088363.